The following is an entry in ClinVar:

ClinVar aggregate classification (germline): Pathogenic (1 of 4 stars; one submission).

Submission:

Labcorp Genetics (formerly Invitae), Labcorp
Classification: Pathogenic. Last evaluated: 2021-01-25. Review status: criteria provided, single submitter. Criteria: Invitae Variant Classification Sherloc (09022015). Collection method: clinical testing. Allele origin: germline.
Comment: For these reasons, this variant has been classified as Pathogenic. This sequence change creates a premature translational stop signal (p.Lys275*) in the CERKL gene. It is expected to result in an absent or disrupted protein product. Loss-of-function variants in CERKL are known to be pathogenic (PMID: 14681825, 24043777). The frequency data for this variant in the population databases is not available, as this variant may be reported as separate entries in the ExAC database. This variant has not been reported in the literature in individuals with CERKL-related conditions.

Literature cited by the submitters: PubMed 14681825; PubMed 24043777.

NM_201548.5(CERKL):c.744_745delinsAT (p.Lys249Ter)

Gene: CERKL (CERK like autophagy regulator; minus strand). Cytogenetic location: 2q31.3.
Variant type: Indel.
Coding change: c.744_745delinsAT on transcript NM_201548.5 (MANE Select); coding-DNA positions 744 to 745, GA replaced by AT.
Protein change: p.Lys249Ter; replaces lysine 249 with a stop codon.
Molecular consequence: nonsense. On other transcripts: non-coding transcript variant (2), intron variant (2).
Genome position (GRCh38, 1-based): chr2:181,558,641-181,558,642, TC replaced by AT on the plus strand (GA replaced by AT on the coding strand, the reverse complement: CERKL is on the minus strand). VCF-style: chr2-181558641-TC-AT. GRCh37 (hg19) VCF-style: chr2-182423368-TC-AT.
Other names: c.822_823delinsAT, p.Lys275Ter (NM_001030311.3); c.690_691delinsAT, p.Lys231Ter (NM_001160277.2); c.482-8934_482-8933delinsAT (NM_001030312.3); c.614-8934_614-8933delinsAT (NM_001030313.3); short protein forms K231*, K275*, K249*.
Identifiers: ClinVar variation 1414997 (VCV001414997.6), dbSNP rs2105820158, ClinGen allele CA2573134259.